The following is an entry in ClinVar:

ClinVar aggregate classification (germline): Conflicting classifications of pathogenicity. Review status: criteria provided, conflicting classifications (1 of 4 stars). 8 submissions from 8 submitters: Pathogenic (1); Uncertain significance (7). Last evaluated 2025-05-21.

Conditions:
Chédiak-Higashi syndrome (CHS). Also called: Chediak-Higashi Syndrome. Identifiers: Orphanet 167, MedGen C0007965, MONDO:0008963, OMIM 214500.
Inborn genetic diseases. Identifiers: MedGen C0950123, MeSH D030342.

Allele frequency attached by ClinVar (database versions not stated): TOPMed 0.00005; gnomAD 0.00006 and 0.00007; ExAC 0.00007; ESP Exome Variant Server 0.00008; gnomAD exomes 0.00008 and 0.00016; 1000 Genomes Project 30x 0.00016; 1000 Genomes Project 0.00020.
gnomAD v4.1: 237 of 1,613,942 alleles (0.015%); highest among the groups gnomAD compares: Non-Finnish European, 0.019%; 1 homozygote.

Submissions (8):

Ambry Genetics
Classification: Uncertain significance for Inborn genetic diseases. Last evaluated: 2025-05-21. Review status: criteria provided, single submitter. Criteria: Ambry Variant Classification Scheme 2023. Collection method: clinical testing. Allele origin: germline.

Mayo Clinic Laboratories, Mayo Clinic
Classification: Uncertain significance. Last evaluated: 2025-05-08. Review status: criteria provided, single submitter. Criteria: ACMG Guidelines, 2015. Collection method: clinical testing. Allele origin: germline. Observed: 1 variant allele.

Labcorp Genetics (formerly Invitae), Labcorp
Classification: Uncertain significance for Chédiak-Higashi syndrome. Last evaluated: 2025-01-27. Review status: criteria provided, single submitter. Criteria: Invitae Variant Classification Sherloc (09022015). Collection method: clinical testing. Allele origin: germline.
Comment: This sequence change replaces methionine, which is neutral and non-polar, with threonine, which is neutral and polar, at codon 2621 of the LYST protein (p.Met2621Thr). This variant is present in population databases (rs368500877, gnomAD 0.02%). This variant has not been reported in the literature in individuals affected with LYST-related conditions. ClinVar contains an entry for this variant (Variation ID: 579125). Invitae Evidence Modeling of protein sequence and biophysical properties (such as structural, functional, and spatial information, amino acid conservation, physicochemical variation, residue mobility, and thermodynamic stability) indicates that this missense variant is not expected to disrupt LYST protein function with a negative predictive value of 80%. In summary, the available evidence is currently insufficient to determine the role of this variant in disease. Therefore, it has been classified as a Variant of Uncertain Significance.

Women's Health and Genetics/Laboratory Corporation of America, LabCorp
Classification: Uncertain significance. Last evaluated: 2023-04-13. Review status: criteria provided, single submitter. Criteria: LabCorp Variant Classification Summary - May 2015. Collection method: clinical testing. Allele origin: germline.
Comment: Variant summary: LYST c.7862T>C (p.Met2621Thr) results in a non-conservative amino acid change in the encoded protein sequence. Four of five in-silico tools predict a damaging effect of the variant on protein function. The variant allele was found at a frequency of 7.6e-05 in 251334 control chromosomes (gnomAD). This frequency is not significantly higher than estimated for a pathogenic variant in LYST causing Chediak-Higashi Syndrome (7.6e-05 vs 0.0011), allowing no conclusion about variant significance. To our knowledge, no occurrence of c.7862T>C in individuals affected with Chediak-Higashi Syndrome and no experimental evidence demonstrating its impact on protein function have been reported. Five ClinVar submitters have assessed the variant since 2014: one classified the variant as pathogenic, and four as uncertain significance. Based on the evidence outlined above, the variant was classified as uncertain significance.

Blueprint Genetics
Classification: Uncertain significance. Last evaluated: 2022-09-27. Review status: criteria provided, single submitter. Criteria: ACMG Guidelines, 2015. Collection method: clinical testing. Allele origin: germline.

CeGaT Center for Human Genetics Tuebingen
Classification: Pathogenic. Last evaluated: 2018-05-01. Review status: criteria provided, single submitter. Criteria: CeGaT Center For Human Genetics Tuebingen Variant Classification Criteria Version 2. Collection method: clinical testing. Allele origin: germline. Affected: yes. Observed: 1 variant allele.

Illumina Laboratory Services, Illumina
Classification: Uncertain significance for Chédiak-Higashi syndrome. Last evaluated: 2018-01-12. Review status: criteria provided, single submitter. Criteria: ICSL Variant Classification Criteria 13 December 2019. Collection method: clinical testing. Allele origin: germline.

Eurofins Ntd Llc (ga)
Classification: Uncertain significance. Last evaluated: 2017-08-01. Review status: criteria provided, single submitter. Criteria: EGL Classification Definitions 2015. Collection method: clinical testing. Allele origin: germline. Observed: 1 variant allele, 1 heterozygote.

NM_000081.4(LYST):c.7862T>C (p.Met2621Thr)

Gene: LYST (lysosomal trafficking regulator; minus strand). Cytogenetic location: 1q42.3.
Variant type: single nucleotide variant.
Coding change: c.7862T>C on transcript NM_000081.4 (MANE Select); coding-DNA position 7862, T replaced by C.
Protein change: p.Met2621Thr; replaces methionine 2621 with threonine.
Molecular consequence: missense variant.
Genome position (GRCh38, 1-based): chr1:235,746,446, A>G on the plus strand (T>C on the coding strand, the complement: LYST is on the minus strand). VCF-style: chr1-235746446-A-G. GRCh37 (hg19) VCF-style: chr1-235909746-A-G.
Other names: p.Met2621Thr; c.7862T>C, p.Met2621Thr (NM_001301365.1); c.7862T>C (NM_000081.2); short protein forms M2621T.
Identifiers: ClinVar variation 579125 (VCV000579125.59), dbSNP rs368500877, ClinGen allele CA1466007.
Genomic context (GRCh38, chr1:235,746,446, plus strand): 5'-TGCGCAAGTTCCGTTTCAGTTGCTTGGCTAGGGTTCTCTTGGCTCATTCTCCGTTGCATC[A>G]TCACATGAAGCTCATCATTTGCCACTGAACGCATTTTCATCAGAAGCGATTCAGTTTGAG-3'
Protein context (NP_000072.2, residues 2611-2631): RSVANDELHV[Met2621Thr]MQRRMSQENP